The following is an entry in ClinVar:

NM_024642.5(GALNT12):c.433T>C (p.Tyr145His)

Gene: GALNT12 (polypeptide N-acetylgalactosaminyltransferase 12; plus strand). Cytogenetic location: 9q22.33.
Variant type: single nucleotide variant.
Coding change: c.433T>C on transcript NM_024642.5 (MANE Select); coding-DNA position 433, T replaced by C.
Protein change: p.Tyr145His; replaces tyrosine 145 with histidine.
Molecular consequence: missense variant.
Genome position (GRCh38, 1-based): chr9:98,823,317, T>C. VCF-style: chr9-98823317-T-C. GRCh37 (hg19) VCF-style: chr9-101585599-T-C.
Other names: short protein forms Y145H.
Identifiers: ClinVar variation 3852675 (VCV003852675.1).
Genomic context (GRCh38, chr9:98,823,317, plus strand): 5'-TGCAAAGAGAAGAAATATGATTATGATAATTTGCCCAGGACATCTGTTATCATAGCATTT[T>C]ATAATGAAGCCTGGTCAACTCTCCTTCGGACAGTTTACAGTGTCCTTGAGACATCCCCGG-3'
Protein context (NP_078918.3, residues 135-155): LPRTSVIIAF[Tyr145His]NEAWSTLLRT

ClinVar aggregate classification (germline): Uncertain significance (1 of 4 stars; one submission).

Submission:

Ambry Genetics
Classification: Uncertain significance. Last evaluated: 2025-02-08. Review status: criteria provided, single submitter. Criteria: Ambry Variant Classification Scheme 2023. Collection method: clinical testing. Allele origin: germline.
Comment: The p.Y145H variant (also known as c.433T>C), located in coding exon 2 of the GALNT12 gene, results from a T to C substitution at nucleotide position 433. The tyrosine at codon 145 is replaced by histidine, an amino acid with similar properties. This amino acid position is conserved. In addition, this alteration is predicted to be deleterious by in silico analysis. Based on the available evidence, the clinical significance of this variant remains unclear.